The following is an entry in ClinVar:

NM_001195248.2(APTX):c.484-25_484-9del

Gene: APTX (aprataxin; minus strand). Cytogenetic location: 9p21.1.
Variant type: Deletion.
Coding change: c.484-25_484-9del on transcript NM_001195248.2 (MANE Select); 25 bases into the intron before coding-DNA position 484 through 9 bases into the intron before coding-DNA position 484, 17 bases deleted (GTTTTTTTTTTTGTTTT).
Molecular consequence: intron variant.
Genome position (GRCh38, 1-based): chr9:32,986,039-32,986,055, AAAACAAAAAAAAAAAC deleted on the plus strand (GTTTTTTTTTTTGTTTT on the coding strand, the reverse complement: APTX is on the minus strand); deleting any 17 consecutive bases within chr9:32,986,039-32,986,059 gives the same sequence; the c. name uses the placement nearest the transcript's 3' end. VCF-style (leftmost placement, unchanged base first): chr9-32986038-AAAAACAAAAAAAAAAAC-A. GRCh37 (hg19) VCF-style: chr9-32986036-AAAAACAAAAAAAAAAAC-A.
Other names: p.?; c.484-25_484-9del17 (NM_175073.2); c.322-25_322-9del (NM_001369001.1, NM_001369000.1, NM_001195250.2 and 1 more transcripts); c.484-25_484-9del (NM_001368996.1, NM_001368995.1, NM_001368997.1 and 7 more transcripts); c.220-25_220-9del (NM_001369002.1, NM_001369003.1, NM_001369004.1 and 5 more transcripts); c.268-25_268-9del (NM_001195252.2).
Identifiers: ClinVar variation 1320642 (VCV001320642.12), dbSNP rs749477339, ClinGen allele CA5022412.

ClinVar aggregate classification (germline): Benign/Likely benign. Review status: criteria provided, multiple submitters, no conflicts (2 of 4 stars). 4 submissions from 4 submitters: Benign (1); Likely benign (2). 1 of the submissions does not count toward it. Last evaluated 2026-01-20.

Conditions:
APTX-related disorder. Also called: APTX-related condition.

Submissions (4):

Labcorp Genetics (formerly Invitae), Labcorp
Classification: Likely benign. Last evaluated: 2026-01-20. Review status: criteria provided, single submitter. Criteria: Invitae Variant Classification Sherloc (09022015). Collection method: clinical testing. Allele origin: germline.

Mayo Clinic Laboratories, Mayo Clinic
Classification: Benign. Last evaluated: 2022-06-07. Review status: criteria provided, single submitter. Criteria: ACMG Guidelines, 2015. Collection method: clinical testing. Allele origin: germline. Observed: 4 variant alleles.
Comment: BS1, BS2, BP4, BP7

GeneDx
Classification: Likely benign. Last evaluated: 2021-05-04. Review status: criteria provided, single submitter. Criteria: GeneDx Variant Classification Process June 2021. Collection method: clinical testing. Allele origin: germline. Affected: yes.

PreventionGenetics, part of Exact Sciences
Classification: Benign for APTX-related condition. Last evaluated: 2019-12-30. Review status: no assertion criteria provided. Collection method: clinical testing. Allele origin: germline. Not counted in ClinVar's aggregate classification.
Comment: This variant is classified as benign based on ACMG/AMP sequence variant interpretation guidelines (Richards et al. 2015 PMID: 25741868, with internal and published modifications).